The following is an entry in ClinVar:

NC_000011.9:g.(?_22215039)_(22272577_?)dup

Gene: ANO5 (anoctamin 5; plus strand). Cytogenetic location: 11p14.3.
Variant type: Duplication.
Identifiers: ClinVar variation 1448083 (VCV001448083.7).

ClinVar aggregate classification (germline): Uncertain significance (1 of 4 stars; one submission).

Conditions:
Gnathodiaphyseal dysplasia (GDD). Also called: GNATHODIAPHYSEAL SCLEROSIS; OSTEOGENESIS IMPERFECTA WITH UNUSUAL SKELETAL LESIONS. Identifiers: Orphanet 53697, MedGen C1833736, MONDO:0008151, OMIM 166260.
Autosomal recessive limb-girdle muscular dystrophy type 2L (LGMDR12). Also called: Limb-girdle muscular dystrophy, type 2L; Limb-Girdle Muscular Dystrophy R12 Anoctamin-5-Related (LGMD-R12); MUSCULAR DYSTROPHY, LIMB-GIRDLE, AUTOSOMAL RECESSIVE 12. Identifiers: Orphanet 206549, MedGen C1969785, MONDO:0012652, OMIM 611307.

Submission:

Labcorp Genetics (formerly Invitae), Labcorp
Classification: Uncertain significance for Autosomal recessive limb-girdle muscular dystrophy type 2L; Gnathodiaphyseal dysplasia. Last evaluated: 2024-01-13. Review status: criteria provided, single submitter. Criteria: Invitae Variant Classification Sherloc (09022015). Collection method: clinical testing. Allele origin: germline.
Comment: This variant results in a copy number gain of the genomic region encompassing exon(s) 1-12 of the ANO5 gene. This region includes the initiator codon of the gene. This copy number gain extends beyond the assayed region for this gene and therefore may encompass additional genes. As the precise location of this event is unknown, it may be in tandem or it may be located elsewhere in the genome. This variant has not been reported in the literature in individuals affected with ANO5-related conditions. Experimental studies and prediction algorithms are not available or were not evaluated, and the functional significance of this variant is currently unknown. In summary, the available evidence is currently insufficient to determine the role of this variant in disease. Therefore, it has been classified as a Variant of Uncertain Significance.